The following is an entry in ClinVar:

NM_138694.4(PKHD1):c.7348A>T (p.Lys2450Ter)

Gene: PKHD1 (PKHD1 ciliary IPT domain containing fibrocystin/polyductin; minus strand). Cytogenetic location: 6p12.2.
Variant type: single nucleotide variant.
Coding change: c.7348A>T on transcript NM_138694.4 (MANE Select); coding-DNA position 7348, A replaced by T.
Protein change: p.Lys2450Ter; replaces lysine 2450 with a stop codon.
Molecular consequence: nonsense.
Genome position (GRCh38, 1-based): chr6:51,883,095, T>A on the plus strand (A>T on the coding strand, the complement: PKHD1 is on the minus strand). VCF-style: chr6-51883095-T-A. GRCh37 (hg19) VCF-style: chr6-51747893-T-A.
Other names: c.7348A>T, p.Lys2450Ter (NM_170724.3); short protein forms K2450*.
Identifiers: ClinVar variation 1723904 (VCV001723904.2), dbSNP rs2536177746, ClinGen allele CA364421794.

ClinVar aggregate classification (germline): Likely pathogenic (1 of 4 stars; one submission).

Conditions:
Polycystic kidney disease 4 (PKD4). Also called: POLYCYSTIC KIDNEY AND HEPATIC DISEASE 1; POLYCYSTIC KIDNEY DISEASE, INFANTILE, TYPE I; POLYCYSTIC KIDNEY DISEASE 4 WITH OR WITHOUT POLYCYSTIC LIVER DISEASE; PKD3; Autosomal Recessive Polycystic Kidney Disease – PKHD1. Identifiers: MedGen C4540575, MONDO:0033004, OMIM 263200.

Submission:

Myriad Genetics, Inc.
Classification: Likely pathogenic for Polycystic kidney disease 4. Last evaluated: 2022-01-08. Review status: criteria provided, single submitter. Criteria: Myriad Women's Health Autosomal Recessive and X-Linked Classification Criteria (2021). Collection method: clinical testing. Allele origin: unknown.
Comment: NM_138694.3(PKHD1):c.7348A>T(K2450*) is expected to be pathogenic in the context of autosomal recessive polycystic kidney disease, PKHD1-related. This variant is predicted to lead to an abnormal or absent protein product due to the creation of a premature termination codon in PKHD1, a gene where loss-of-function variants are known to be pathogenic. Please note: this variant was assessed in the context of healthy population screening.